The following is an entry in ClinVar:

ClinVar aggregate classification (germline): Uncertain significance. Review status: criteria provided, multiple submitters, no conflicts (2 of 4 stars). 2 submissions from 2 submitters: Uncertain significance (2). Last evaluated 2024-12-24.

Conditions:
Hereditary cancer-predisposing syndrome. Also called: Neoplastic Syndromes, Hereditary; Tumor predisposition; Hereditary Cancer Syndrome; Hereditary neoplastic syndrome. Identifiers: Orphanet 140162, MedGen C0027672, MeSH D009386, MONDO:0015356.
Familial meningioma. Also called: Meningioma, familial, susceptibility to. Identifiers: Orphanet 263662, MedGen C3551915, MONDO:0011789, OMIM 607174.

Allele frequency attached by ClinVar (database versions not stated): gnomAD exomes below 0.00001; ExAC 0.00001.

Submissions (2):

Labcorp Genetics (formerly Invitae), Labcorp
Classification: Uncertain significance for Familial meningioma. Last evaluated: 2024-12-24. Review status: criteria provided, single submitter. Criteria: Invitae Variant Classification Sherloc (09022015). Collection method: clinical testing. Allele origin: germline.
Comment: This sequence change replaces asparagine, which is neutral and polar, with serine, which is neutral and polar, at codon 29 of the SMARCE1 protein (p.Asn29Ser). This variant is present in population databases (rs760888905, gnomAD 0.007%). This variant has not been reported in the literature in individuals affected with SMARCE1-related conditions. ClinVar contains an entry for this variant (Variation ID: 1002326). Invitae Evidence Modeling of protein sequence and biophysical properties (such as structural, functional, and spatial information, amino acid conservation, physicochemical variation, residue mobility, and thermodynamic stability) indicates that this missense variant is not expected to disrupt SMARCE1 protein function with a negative predictive value of 80%. In summary, the available evidence is currently insufficient to determine the role of this variant in disease. Therefore, it has been classified as a Variant of Uncertain Significance.

Ambry Genetics
Classification: Uncertain significance for Hereditary cancer-predisposing syndrome. Last evaluated: 2024-06-03. Review status: criteria provided, single submitter. Criteria: Ambry Variant Classification Scheme 2023. Collection method: clinical testing. Allele origin: germline.
Comment: The p.N29S variant (also known as c.86A>G), located in coding exon 3 of the SMARCE1 gene, results from an A to G substitution at nucleotide position 86. The asparagine at codon 29 is replaced by serine, an amino acid with highly similar properties. This amino acid position is conserved. In addition, this alteration is predicted to be tolerated by in silico analysis. Based on the available evidence, the clinical significance of this variant remains unclear.

NM_003079.5(SMARCE1):c.86A>G (p.Asn29Ser)

Gene: SMARCE1 (SWI/SNF related BAF chromatin remodeling complex subunit E1; minus strand). Cytogenetic location: 17q21.2.
Variant type: single nucleotide variant.
Coding change: c.86A>G on transcript NM_003079.5 (MANE Select); coding-DNA position 86, A replaced by G.
Protein change: p.Asn29Ser; replaces asparagine 29 with serine.
Molecular consequence: missense variant.
Genome position (GRCh38, 1-based): chr17:40,642,525, T>C on the plus strand (A>G on the coding strand, the complement: SMARCE1 is on the minus strand). VCF-style: chr17-40642525-T-C. GRCh37 (hg19) VCF-style: chr17-38798777-T-C.
Other names: c.86A>G (NM_003079.4); short protein forms N29S.
Identifiers: ClinVar variation 1002326 (VCV001002326.9), dbSNP rs760888905, ClinGen allele CA8545325.
Genomic context (GRCh38, chr17:40,642,525, plus strand): 5'-CTGTTGGTGCCCGGGTTCCCTCCCAGCCTGTAGTTGTTGTAGGCGAGATGACTGTATGGA[T>C]TGTATCCCACAAACCCTGGTGTGCTGGGCATTTGCTGATGGAAACAAATGAGACAAAAAC-3'
Protein context (NP_003070.3, residues 19-39): MPSTPGFVGY[Asn29Ser]PYSHLAYNNY